The following is an entry in ClinVar:

NM_004999.4(MYO6):c.1720G>C (p.Asp574His)

Gene: MYO6 (myosin VI; plus strand). Cytogenetic location: 6q14.1.
Variant type: single nucleotide variant.
Coding change: c.1720G>C on transcript NM_004999.4 (MANE Select); coding-DNA position 1720, G replaced by C.
Protein change: p.Asp574His; replaces aspartic acid 574 with histidine.
Molecular consequence: missense variant. On other transcripts: non-coding transcript variant (1).
Genome position (GRCh38, 1-based): chr6:75,866,571, G>C. VCF-style: chr6-75866571-G-C. GRCh37 (hg19) VCF-style: chr6-76576288-G-C.
Other names: c.1720G>C, p.Asp574His (NM_001300899.2, NM_001368136.1, NM_001368137.1 and 2 more transcripts); c.1705G>C, p.Asp569His (NM_001368138.1); short protein forms D569H, D574H.
Identifiers: ClinVar variation 4685310 (VCV004685310.1).

ClinVar aggregate classification (germline): Uncertain significance (1 of 4 stars; one submission).

Submission:

GeneDx
Classification: Uncertain significance. Last evaluated: 2025-07-11. Review status: criteria provided, single submitter. Criteria: GeneDx Variant Classification Process June 2021. Collection method: clinical testing. Allele origin: germline. Affected: yes.
Comment: Not observed at significant frequency in large population cohorts (gnomAD); In silico analysis supports that this missense variant has a deleterious effect on protein structure/function; Has not been previously published as pathogenic or benign to our knowledge